The following is an entry in ClinVar:

ClinVar aggregate classification (germline): Uncertain significance. Review status: criteria provided, multiple submitters, no conflicts (2 of 4 stars). 2 submissions from 2 submitters: Uncertain significance (2). Last evaluated 2025-01-08.

Conditions:
Hereditary cancer-predisposing syndrome. Also called: Neoplastic Syndromes, Hereditary; Tumor predisposition; Hereditary Cancer Syndrome; Hereditary neoplastic syndrome. Identifiers: Orphanet 140162, MedGen C0027672, MeSH D009386, MONDO:0015356.

Submissions (2):

Ambry Genetics
Classification: Uncertain significance for Hereditary cancer-predisposing syndrome. Last evaluated: 2025-01-08. Review status: criteria provided, single submitter. Criteria: Ambry Variant Classification Scheme 2023. Collection method: clinical testing. Allele origin: germline.
Comment: The p.R320K variant (also known as c.959G>A), located in coding exon 7 of the RAD50 gene, results from a G to A substitution at nucleotide position 959. The arginine at codon 320 is replaced by lysine, an amino acid with highly similar properties. This amino acid position is not well conserved in available vertebrate species. In addition, this alteration is predicted to be tolerated by in silico analysis. Since supporting evidence is limited at this time, the clinical significance of this alteration remains unclear.

Labcorp Genetics (formerly Invitae), Labcorp
Classification: Uncertain significance for Hereditary cancer-predisposing syndrome. Last evaluated: 2021-09-04. Review status: criteria provided, single submitter. Criteria: Invitae Variant Classification Sherloc (09022015). Collection method: clinical testing. Allele origin: germline.
Comment: This sequence change replaces arginine with lysine at codon 320 of the RAD50 protein (p.Arg320Lys). The arginine residue is moderately conserved and there is a small physicochemical difference between arginine and lysine. This variant is not present in population databases (ExAC no frequency). This variant has not been reported in the literature in individuals affected with RAD50-related conditions. ClinVar contains an entry for this variant (Variation ID: 232741). Algorithms developed to predict the effect of missense changes on protein structure and function output the following: SIFT: "Tolerated"; PolyPhen-2: "Benign"; Align-GVGD: "Class C0". The lysine amino acid residue is found in multiple mammalian species, which suggests that this missense change does not adversely affect protein function. In summary, the available evidence is currently insufficient to determine the role of this variant in disease. Therefore, it has been classified as a Variant of Uncertain Significance.

NM_005732.4(RAD50):c.959G>A (p.Arg320Lys)

Gene: RAD50 (RAD50 double strand break repair protein; plus strand). Cytogenetic location: 5q31.1.
Variant type: single nucleotide variant.
Coding change: c.959G>A on transcript NM_005732.4 (MANE Select); coding-DNA position 959, G replaced by A.
Protein change: p.Arg320Lys; replaces arginine 320 with lysine.
Molecular consequence: missense variant.
Genome position (GRCh38, 1-based): chr5:132,587,997, G>A. VCF-style: chr5-132587997-G-A. GRCh37 (hg19) VCF-style: chr5-131923689-G-A.
Other names: short protein forms R320K.
Identifiers: ClinVar variation 232741 (VCV000232741.12), dbSNP rs876659962, ClinGen allele CA10578505.
Genomic context (GRCh38, chr5:132,587,997, plus strand): 5'-CTGATGAGCAACTAAATGACTTATATCACAATCACCAGAGAACAGTAAGGGAGAAAGAAA[G>A]GAAATTGGTAGACTGTCATCGTGAACTGGAAAAACTAAATAAAGAATCTAGGCTTCTCAA-3'
Protein context (NP_005723.2, residues 310-330): NHQRTVREKE[Arg320Lys]KLVDCHRELE